The following is an entry in ClinVar:

NM_002180.3(IGHMBP2):c.2363G>C (p.Arg788Pro)

Gene: IGHMBP2 (immunoglobulin mu DNA binding protein 2; plus strand). Cytogenetic location: 11q13.3.
Variant type: single nucleotide variant.
Coding change: c.2363G>C on transcript NM_002180.3 (MANE Select); coding-DNA position 2363, G replaced by C.
Protein change: p.Arg788Pro; replaces arginine 788 with proline.
Molecular consequence: missense variant.
Genome position (GRCh38, 1-based): chr11:68,936,843, G>C. VCF-style: chr11-68936843-G-C. GRCh37 (hg19) VCF-style: chr11-68704311-G-C.
Other names: short protein forms R788P.
Identifiers: ClinVar variation 845818 (VCV000845818.9), dbSNP rs769685389, ClinGen allele CA6153892.

ClinVar aggregate classification (germline): Uncertain significance (1 of 4 stars; one submission).

Conditions:
Charcot-Marie-Tooth disease axonal type 2S. Also called: CHARCOT-MARIE-TOOTH NEUROPATHY, TYPE 2S; CHARCOT-MARIE-TOOTH DISEASE, AXONAL, AUTOSOMAL RECESSIVE, TYPE 2S. Identifiers: Orphanet 443073, MedGen C4015349, MONDO:0014511, OMIM 616155.
Autosomal recessive distal spinal muscular atrophy 1. Also called: SEVERE INFANTILE AXONAL NEUROPATHY WITH RESPIRATORY FAILURE; SPINAL MUSCULAR ATROPHY, DIAPHRAGMATIC; Spinal muscular atrophy with respiratory distress 1; HMN VI; NEURONOPATHY, DISTAL HEREDITARY MOTOR, HARDING TYPE VI; NEUROPATHY, DISTAL HEREDITARY MOTOR, AUTOSOMAL RECESSIVE 1. Identifiers: Orphanet 98920, MedGen C1858517, MONDO:0011436, OMIM 604320.

Allele frequency attached by ClinVar (database versions not stated): TOPMed below 0.00001; gnomAD 0.00001.
gnomAD v4.1: 6 of 1,613,278 alleles (0.00037%); highest among the groups gnomAD compares: Non-Finnish European, 0.00042%; no homozygotes.

Submission:

Labcorp Genetics (formerly Invitae), Labcorp
Classification: Uncertain significance for Autosomal recessive distal spinal muscular atrophy 1; Charcot-Marie-Tooth disease axonal type 2S. Last evaluated: 2022-08-12. Review status: criteria provided, single submitter. Criteria: Invitae Variant Classification Sherloc (09022015). Collection method: clinical testing. Allele origin: germline.
Comment: This variant is present in population databases (rs769685389, gnomAD 0.003%). This sequence change replaces arginine, which is basic and polar, with proline, which is neutral and non-polar, at codon 788 of the IGHMBP2 protein (p.Arg788Pro). This variant has not been reported in the literature in individuals affected with IGHMBP2-related conditions. ClinVar contains an entry for this variant (Variation ID: 845818). Advanced modeling of protein sequence and biophysical properties (such as structural, functional, and spatial information, amino acid conservation, physicochemical variation, residue mobility, and thermodynamic stability) performed at Invitae indicates that this missense variant is not expected to disrupt IGHMBP2 protein function. In summary, the available evidence is currently insufficient to determine the role of this variant in disease. Therefore, it has been classified as a Variant of Uncertain Significance.